The following is an entry in ClinVar:

NM_001126108.2(SLC12A3):c.*1647C>T

Gene: SLC12A3 (solute carrier family 12 member 3; plus strand). Cytogenetic location: 16q13.
Variant type: single nucleotide variant.
Coding change: c.*1647C>T on transcript NM_001126108.2 (MANE Select); 1647 bases downstream of the stop codon, C replaced by T.
Molecular consequence: 3 prime UTR variant.
Genome position (GRCh38, 1-based): chr16:56,915,052, C>T. VCF-style: chr16-56915052-C-T. GRCh37 (hg19) VCF-style: chr16-56948964-C-T.
Other names: c.*1647C>T (NM_000339.3, NM_001126107.2).
Identifiers: ClinVar variation 319954 (VCV000319954.5), dbSNP rs115285739, ClinGen allele CA10643929.
Genomic context (GRCh38, chr16:56,915,052, plus strand): 5'-GACAAGGGAGATGGAGAAAGGACCTATACCTGGCTCACGGAAGGCCTTCAGGTCACTACA[C>T]GTTGAACATCCCCAGTGTTTGAGCCCCCAAAGCTAGGGTGCAAGAGCACTGCCATCGAAT-3'

ClinVar aggregate classification (germline): Likely benign (1 of 4 stars; one submission).

Conditions:
Familial hypokalemia-hypomagnesemia (GTLMNS). Also called: gitelman syndrome; HYPOMAGNESEMIA-HYPOKALEMIA, PRIMARY RENOTUBULAR, WITH HYPOCALCIURIA; POTASSIUM AND MAGNESIUM DEPLETION. Identifiers: Orphanet 358, MedGen C0268450, MONDO:0009904, OMIM 263800.

Allele frequency attached by ClinVar (database versions not stated): gnomAD 0.00620 and 0.00668; TOPMed 0.00696; 1000 Genomes Project 30x 0.00765; 1000 Genomes Project 0.00779.

Submission:

Illumina Laboratory Services, Illumina
Classification: Likely benign for Familial hypokalemia-hypomagnesemia. Last evaluated: 2018-01-12. Review status: criteria provided, single submitter. Criteria: ICSL Variant Classification Criteria 13 December 2019. Collection method: clinical testing. Allele origin: germline.
Comment: This variant was observed in the ICSL laboratory as part of a predisposition screen in an ostensibly healthy population. It had not been previously curated by ICSL or reported in the Human Gene Mutation Database (HGMD: prior to June 1st, 2018), and was therefore a candidate for classification through an automated scoring system. Utilizing variant allele frequency, disease prevalence and penetrance estimates, and inheritance mode, an automated score was calculated to assess if this variant is too frequent to cause the disease. Based on the score and internal cut-off values, a variant classified as likely benign is not then subjected to further curation. The score for this variant resulted in a classification of likely benign for this disease.